The following is an entry in ClinVar:

NM_001385641.1(SAMD11):c.1585A>G (p.Lys529Glu)

Gene: SAMD11 (sterile alpha motif domain containing 11; plus strand). Cytogenetic location: 1p36.33.
Variant type: single nucleotide variant.
Coding change: c.1585A>G on transcript NM_001385641.1 (MANE Select); coding-DNA position 1585, A replaced by G.
Protein change: p.Lys529Glu; replaces lysine 529 with glutamic acid.
Molecular consequence: missense variant.
Genome position (GRCh38, 1-based): chr1:942,590, A>G. VCF-style: chr1-942590-A-G. GRCh37 (hg19) VCF-style: chr1-877970-A-G.
Other names: c.1588A>G, p.Lys530Glu (NM_001385640.1); c.1096A>G, p.Lys366Glu (NM_152486.4); short protein forms K366E, K529E, K530E.
Identifiers: ClinVar variation 959730 (VCV000959730.10), dbSNP rs1028575136, ClinGen allele CA16724777.
Genomic context (GRCh38, chr1:942,590, plus strand): 5'-CGGCTGACCCGCGTCTGCCCCCGGCCCAGGCTGGAGCTGCCCGCCGACCTCCTGCGGCAG[A>G]AGGAGCTGGAGAGCGCGCGCCCACAGCTGCTGGCGCCCGAGACCGCCCTGCGCCCCAACG-3'
Protein context (NP_001372570.1, residues 519-539): LELPADLLRQ[Lys529Glu]ELESARPQLL

ClinVar aggregate classification (germline): Uncertain significance. Review status: criteria provided, multiple submitters, no conflicts (2 of 4 stars). 2 submissions from 2 submitters: Uncertain significance (2). Last evaluated 2024-03-13.

Conditions:
Retinitis pigmentosa (RP). Identifiers: Orphanet 791, MedGen C0035334, MeSH D012174, MONDO:0019200, OMIM 268000. Inheritance: Autosomal dominant, autosomal recessive and X linked inheritance.

Allele frequency attached by ClinVar (database versions not stated): gnomAD 0.00004 and 0.00005; gnomAD exomes 0.00004; TOPMed 0.00006.
gnomAD v4.1: 53 of 1,420,154 alleles (0.0037%); highest among the groups gnomAD compares: East Asian, 0.012%; no homozygotes.

Submissions (2):

Labcorp Genetics (formerly Invitae), Labcorp
Classification: Uncertain significance. Last evaluated: 2024-03-13. Review status: criteria provided, single submitter. Criteria: Invitae Variant Classification Sherloc (09022015). Collection method: clinical testing. Allele origin: germline.
Comment: This sequence change replaces lysine, which is basic and polar, with glutamic acid, which is acidic and polar, at codon 366 of the SAMD11 protein (p.Lys366Glu). The frequency data for this variant in the population databases is considered unreliable, as metrics indicate poor data quality at this position in the gnomAD database. This missense change has been observed in individual(s) with inherited retinal dystrophy (PMID: 34906470). ClinVar contains an entry for this variant (Variation ID: 959730). An algorithm developed to predict the effect of missense changes on protein structure and function (PolyPhen-2) suggests that this variant is likely to be disruptive. In summary, the available evidence is currently insufficient to determine the role of this variant in disease. Therefore, it has been classified as a Variant of Uncertain Significance.

Broad Center for Mendelian Genomics, Broad Institute of MIT and Harvard
Classification: Uncertain significance for Retinitis pigmentosa. Last evaluated: 2021-04-01. Review status: criteria provided, single submitter. Criteria: ACMG Guidelines, 2015. Collection method: curation. Allele origin: germline. Inheritance: Autosomal recessive inheritance. Affected: yes.
Comment: Through a review of available evidence we were able to apply the following criteria: PM2, PP3. Based on this evidence we have classified this variant as a Variant of Uncertain Significance. If you have any questions about the classification please reach out to the Pierce Lab.

Literature cited by the submitters: PubMed 34906470 (cited by Labcorp Genetics (formerly Invitae), Labcorp and Broad Center for Mendelian Genomics, Broad Institute of MIT and Harvard).